The following is an entry in ClinVar:

ClinVar aggregate classification (germline): Uncertain significance (1 of 4 stars; one submission).

Conditions:
Familial thoracic aortic aneurysm and aortic dissection (TAAD). Also called: Thoracic aortic aneurysms and dissections. Identifiers: Orphanet 91387, MedGen C4707243, MONDO:0019625.

gnomAD v4.1: 6 of 1,613,146 alleles (0.00037%); highest among the groups gnomAD compares: East Asian, 0.011%; no homozygotes.

Submission:

Ambry Genetics
Classification: Uncertain significance for Familial thoracic aortic aneurysm and aortic dissection. Last evaluated: 2025-07-09. Review status: criteria provided, single submitter. Criteria: Ambry Variant Classification Scheme 2023. Collection method: clinical testing. Allele origin: germline.
Comment: The c.827-3C>T intronic variant results from a C to T substitution 3 nucleotides upstream from coding exon 7 in the FBN2 gene. This nucleotide position is well conserved in available vertebrate species. In silico splice site analysis predicts that this alteration will not have any significant effect on splicing. Based on the available evidence, the clinical significance of this variant remains unclear.

NM_001999.4(FBN2):c.827-3C>T

Gene: FBN2 (fibrillin 2; minus strand). Cytogenetic location: 5q23.3.
Variant type: single nucleotide variant.
Coding change: c.827-3C>T on transcript NM_001999.4 (MANE Select); 3 bases into the intron before coding-DNA position 827, C replaced by T.
Molecular consequence: intron variant.
Genome position (GRCh38, 1-based): chr5:128,446,609, G>A on the plus strand (C>T on the coding strand, the complement: FBN2 is on the minus strand). VCF-style: chr5-128446609-G-A. GRCh37 (hg19) VCF-style: chr5-127782302-G-A.
Identifiers: ClinVar variation 4255484 (VCV004255484.1).